The following is an entry in ClinVar:

ClinVar aggregate classification (germline): Conflicting classifications of pathogenicity. Review status: criteria provided, conflicting classifications (1 of 4 stars). 2 submissions from 2 submitters: Likely pathogenic (1); Uncertain significance (1). Last evaluated 2026-02-27.

Conditions:
X-linked Alport syndrome (ATS1). Also called: COL4A5-Related Nephropathy; NEPHROPATHY AND DEAFNESS, X-LINKED. Identifiers: Orphanet 63, Orphanet 88917, MedGen C4746986, MONDO:0010520, OMIM 301050.

Allele frequency attached by ClinVar (database versions not stated): gnomAD exomes below 0.00001.
gnomAD v4.1: 2 of 1,207,679 alleles (0.00017%); highest among the groups gnomAD compares: Non-Finnish European, 0.00022%; no homozygotes.

Submissions (2):

Myriad Genetics, Inc.
Classification: Uncertain significance for X-linked Alport syndrome. Last evaluated: 2026-02-27. Review status: criteria provided, single submitter. Criteria: Myriad Autosomal Dominant, Autosomal Recessive and X-Linked Classification Criteria (2023). Collection method: clinical testing. Allele origin: unknown.
Comment: NM_000495.4(COL4A5):c.2740G>A(G914S) is a missense variant classified as a variant of uncertain significance in the context of X-linked Alport syndrome. G914S has not been observed in cases with relevant disease. Relevant functional assessments of this variant are not available in the literature. G914S has not been observed in referenced population frequency databases. In summary, there is insufficient evidence to classify NM_000495.4(COL4A5):c.2740G>A(G914S) as pathogenic or benign. Please note: this variant was assessed in the context of healthy population screening.

Labcorp Genetics (formerly Invitae), Labcorp
Classification: Likely pathogenic. Last evaluated: 2025-05-21. Review status: criteria provided, single submitter. Criteria: Invitae Variant Classification Sherloc (09022015). Collection method: clinical testing. Allele origin: germline.
Comment: This sequence change replaces glycine, which is neutral and non-polar, with serine, which is neutral and polar, at codon 914 of the COL4A5 protein (p.Gly914Ser). This variant is not present in population databases (gnomAD no frequency). This variant has not been reported in the literature in individuals affected with COL4A5-related conditions. ClinVar contains an entry for this variant (Variation ID: 2032817). Invitae Evidence Modeling of protein sequence and biophysical properties (such as structural, functional, and spatial information, amino acid conservation, physicochemical variation, residue mobility, and thermodynamic stability) indicates that this missense variant is expected to disrupt COL4A5 protein function with a positive predictive value of 95%. This variant disrupts the triple helix domain of COL4A5. Glycine residues within the Gly-Xaa-Yaa repeats of the triple helix domain are required for the structure and stability of fibrillar collagens (PMID: 7695699, 8218237, 19344236). In COL4A5, missense variants at these glycine residues are significantly enriched in individuals with disease (PMID: 23720012, 27627812) compared to the general population (ExAC). In summary, the currently available evidence indicates that the variant is pathogenic, but additional data are needed to prove that conclusively. Therefore, this variant has been classified as Likely Pathogenic.

Literature cited by the submitters: PubMed 7695699 (cited by Labcorp Genetics (formerly Invitae), Labcorp); PubMed 8218237 (cited by Labcorp Genetics (formerly Invitae), Labcorp); PubMed 19344236 (cited by Labcorp Genetics (formerly Invitae), Labcorp); PubMed 23720012 (cited by Labcorp Genetics (formerly Invitae), Labcorp); PubMed 27627812 (cited by Labcorp Genetics (formerly Invitae), Labcorp).

NM_033380.3(COL4A5):c.2740G>A (p.Gly914Ser)

Gene: COL4A5 (collagen type IV alpha 5 chain; plus strand). Cytogenetic location: Xq22.3.
Variant type: single nucleotide variant.
Coding change: c.2740G>A on transcript NM_033380.3 (MANE Select); coding-DNA position 2740, G replaced by A.
Protein change: p.Gly914Ser; replaces glycine 914 with serine.
Molecular consequence: missense variant.
Genome position (GRCh38, 1-based): chrX:108,621,865, G>A. VCF-style: chrX-108621865-G-A. GRCh37 (hg19) VCF-style: chrX-107865095-G-A.
Other names: c.2740G>A, p.Gly914Ser (NM_000495.5); short protein forms G914S.
Identifiers: ClinVar variation 2032817 (VCV002032817.6), dbSNP rs2524403936, ClinGen allele CA413852176.